The following is an entry in ClinVar:

ClinVar aggregate classification (germline): Uncertain significance (1 of 4 stars; one submission).

Conditions:
Neuropathy, hereditary sensory and autonomic, type 2A (HSAN2A). Also called: HSAN IIA; WNK1-Related HSAN2 (HSAN2A); ACROOSTEOLYSIS, GIACCAI TYPE; ACROOSTEOLYSIS, NEUROGENIC; MORVAN DISEASE; NEUROPATHY, CONGENITAL SENSORY. Identifiers: Orphanet 970, MedGen C2752089, MONDO:0024309, OMIM 201300.
Pseudohypoaldosteronism type 2C (PHA2C). Also called: Pseudohypoaldosteronism Type IIC. Identifiers: Orphanet 757, Orphanet 88940, MedGen C1840391, MONDO:0013778, OMIM 614492.

Allele frequency attached by ClinVar (database versions not stated): gnomAD exomes below 0.00001.
gnomAD v4.1: 1 of 1,589,788 alleles (0.000063%); highest among the groups gnomAD compares: Non-Finnish European, 0.000086%; no homozygotes.

Submission:

Labcorp Genetics (formerly Invitae), Labcorp
Classification: Uncertain significance for Neuropathy, hereditary sensory and autonomic, type 2A; Pseudohypoaldosteronism type 2C. Last evaluated: 2023-12-02. Review status: criteria provided, single submitter. Criteria: Invitae Variant Classification Sherloc (09022015). Collection method: clinical testing. Allele origin: germline.
Comment: This sequence change replaces threonine, which is neutral and polar, with serine, which is neutral and polar, at codon 2633 of the WNK1 protein (p.Thr2633Ser). This variant is not present in population databases (gnomAD no frequency). This variant has not been reported in the literature in individuals affected with WNK1-related conditions. Advanced modeling of protein sequence and biophysical properties (such as structural, functional, and spatial information, amino acid conservation, physicochemical variation, residue mobility, and thermodynamic stability) performed at Invitae indicates that this missense variant is not expected to disrupt WNK1 protein function with a negative predictive value of 95%. In summary, the available evidence is currently insufficient to determine the role of this variant in disease. Therefore, it has been classified as a Variant of Uncertain Significance.

NM_018979.4(WNK1):c.7142C>G (p.Thr2381Ser)

Gene: WNK1 (WNK lysine deficient protein kinase 1; plus strand). Cytogenetic location: 12p13.33.
Variant type: single nucleotide variant.
Coding change: c.7142C>G on transcript NM_018979.4 (MANE Select); coding-DNA position 7142, C replaced by G.
Protein change: p.Thr2381Ser; replaces threonine 2381 with serine.
Molecular consequence: missense variant.
Genome position (GRCh38, 1-based): chr12:908,785, C>G. VCF-style: chr12-908785-C-G. GRCh37 (hg19) VCF-style: chr12-1017951-C-G.
Other names: c.7922C>G, p.Thr2641Ser (NM_001184985.2); c.6398C>G, p.Thr2133Ser (NM_014823.3); c.7898C>G, p.Thr2633Ser (NM_213655.5); short protein forms T2633S, T2641S, T2133S, T2381S.
Identifiers: ClinVar variation 2930836 (VCV002930836.3), dbSNP rs2498117309, ClinGen allele CA383341655.